The following is an entry in ClinVar:

ClinVar aggregate classification (germline): Uncertain significance (1 of 4 stars; one submission).

Conditions:
Familial adenomatous polyposis 1 (FAP1). Also called: FAMILIAL ADENOMATOUS POLYPOSIS 1, ATTENUATED; POLYPOSIS, ADENOMATOUS INTESTINAL. Identifiers: MedGen C2713442, MONDO:0021056, OMIM 175100. Disease mechanism: loss of function.

Allele frequency attached by ClinVar (database versions not stated): TOPMed 0.00001; gnomAD exomes 0.00001 and 0.00002.
gnomAD v4.1: 26 of 1,370,442 alleles (0.0019%); highest among the groups gnomAD compares: East Asian, 0.01%; no homozygotes.

Submission:

Labcorp Genetics (formerly Invitae), Labcorp
Classification: Uncertain significance for Familial adenomatous polyposis 1. Last evaluated: 2025-12-22. Review status: criteria provided, single submitter. Criteria: Invitae Variant Classification Sherloc (09022015). Collection method: clinical testing. Allele origin: germline.
Comment: This variant occurs in a non-coding region of the APC gene. It does not change the encoded amino acid sequence of the APC protein. This variant is present in population databases (no rsID available, gnomAD 0.02%). This variant has not been reported in the literature in individuals affected with APC-related conditions. ClinVar contains an entry for this variant (Variation ID: 469804). Experimental studies and prediction algorithms are not available or were not evaluated, and the functional significance of this variant is currently unknown. In summary, the available evidence is currently insufficient to determine the role of this variant in disease. Therefore, it has been classified as a Variant of Uncertain Significance.

NM_001127511.3(APC):c.-34C>T

Gene: APC (APC regulator of Wnt signaling pathway; plus strand). Cytogenetic location: 5q22.2.
Variant type: single nucleotide variant.
Coding change: c.-34C>T on transcript NM_001127511.3; 34 bases upstream of the start codon, C replaced by T.
Molecular consequence: 5 prime UTR variant. On other transcripts: non-coding transcript variant (1), intron variant (5).
Genome position (GRCh38, 1-based): chr5:112,707,684, C>T. VCF-style: chr5-112707684-C-T. GRCh37 (hg19) VCF-style: chr5-112043381-C-T.
Other names: c.-217C>T (NM_001407447.1, NM_001407452.1, NM_001407456.1 and 3 more transcripts); c.-1252C>T (NM_001407470.1, NM_001407472.1); c.-19+35C>T (NM_001407448.1, NM_001407450.1, NM_001407457.1 and 1 more transcripts); c.-43+35C>T (NM_001407453.1); c.-34C>T (NM_001354897.2, NM_001354902.2, NM_001407446.1).
Identifiers: ClinVar variation 469804 (VCV000469804.10), dbSNP rs1376128351, ClinGen allele CA561890266.